The following is an entry in ClinVar:

ClinVar aggregate classification (germline): Likely benign (1 of 4 stars; one submission).

Conditions:
Brain small vessel disease 2A, autosomal dominant. Also called: Porencephaly 2. Identifiers: Orphanet 2940, Orphanet 99810, MedGen C3280970, MONDO:0013773, OMIM 614483.

Allele frequency attached by ClinVar (database versions not stated): TOPMed 0.00001; gnomAD 0.00002; gnomAD exomes 0.00003 and 0.00004; ExAC 0.00006; ESP Exome Variant Server 0.00008.
gnomAD v4.1: 56 of 1,612,918 alleles (0.0035%); highest among the groups gnomAD compares: Non-Finnish European, 0.0033%; no homozygotes.

Submission:

Illumina Laboratory Services, Illumina
Classification: Likely benign for Brain small vessel disease 2A, autosomal dominant. Last evaluated: 2018-01-13. Review status: criteria provided, single submitter. Criteria: ICSL Variant Classification Criteria 13 December 2019. Collection method: clinical testing. Allele origin: germline.
Comment: This variant was observed in the ICSL laboratory as part of a predisposition screen in an ostensibly healthy population. It had not been previously curated by ICSL or reported in the Human Gene Mutation Database (HGMD: prior to June 1st, 2018), and was therefore a candidate for classification through an automated scoring system. Utilizing variant allele frequency, disease prevalence and penetrance estimates, and inheritance mode, an automated score was calculated to assess if this variant is too frequent to cause the disease. Based on the score and internal cut-off values, a variant classified as likely benign is not then subjected to further curation. The score for this variant resulted in a classification of likely benign for this disease.

NM_001846.4(COL4A2):c.2902+5G>C

Gene: COL4A2 (collagen type IV alpha 2 chain; plus strand). Cytogenetic location: 13q34.
Variant type: single nucleotide variant.
Coding change: c.2902+5G>C on transcript NM_001846.4 (MANE Select); 5 bases into the intron after coding-DNA position 2902, G replaced by C.
Molecular consequence: intron variant.
Genome position (GRCh38, 1-based): chr13:110,482,664, G>C. VCF-style: chr13-110482664-G-C. GRCh37 (hg19) VCF-style: chr13-111135011-G-C.
Identifiers: ClinVar variation 882814 (VCV000882814.4), dbSNP rs377140964, ClinGen allele CA7050023.